The following is an entry in ClinVar:

NM_000071.3(CBS):c.580_599del (p.Asn194fs)

Gene: CBS (cystathionine beta-synthase; minus strand). Cytogenetic location: 21q22.3.
Variant type: Deletion.
Coding change: c.580_599del on transcript NM_000071.3 (MANE Select); coding-DNA positions 580 to 599, 20 bases deleted (AATGCCAGGTTCGACTCCCC).
Protein change: p.Asn194fs; shifts the reading frame from asparagine 194.
Molecular consequence: frameshift variant.
Genome position (GRCh38, 1-based): chr21:43,065,454-43,065,473, GGGGAGTCGAACCTGGCATT deleted on the plus strand (AATGCCAGGTTCGACTCCCC on the coding strand, the reverse complement: CBS is on the minus strand); deleting any 20 consecutive bases within chr21:43,065,454-43,065,475 gives the same sequence; the c. name uses the placement nearest the transcript's 3' end. VCF-style (leftmost placement, unchanged base first): chr21-43065453-CGGGGAGTCGAACCTGGCATT-C. GRCh37 (hg19) VCF-style: chr21-44485563-CGGGGAGTCGAACCTGGCATT-C.
Other names: c.580_599del, p.Asn194fs (NM_001178008.3, NM_001178009.3, NM_001320298.2); c.265_284del, p.Asn89fs (NM_001321072.1); short protein forms N194fs, N89fs.
Identifiers: ClinVar variation 2680412 (VCV002680412.4), dbSNP rs2517445160, ClinGen allele CA2695201463.

ClinVar aggregate classification (germline): Pathogenic/Likely pathogenic. Review status: criteria provided, multiple submitters, no conflicts (2 of 4 stars). 2 submissions from 2 submitters: Pathogenic (1); Likely pathogenic (1). Last evaluated 2025-09-08.

Conditions:
Classic homocystinuria. Also called: Homocystinuria due to Cystathionine Beta-Synthase Deficiency; Homocystinuria due to CBS deficiency; Cystathionine beta-synthase deficiency; CBS deficiency; HOMOCYSTINURIA WITH OR WITHOUT RESPONSE TO PYRIDOXINE. Identifiers: Orphanet 394, MedGen C0751202, MONDO:0009352, OMIM 236200.
HYPERHOMOCYSTEINEMIA, THROMBOTIC, CBS-RELATED. Identifiers: MedGen C3150344, OMIM 236200.

Submissions (2):

Labcorp Genetics (formerly Invitae), Labcorp
Classification: Pathogenic for HYPERHOMOCYSTEINEMIA, THROMBOTIC, CBS-RELATED. Last evaluated: 2025-09-08. Review status: criteria provided, single submitter. Criteria: Invitae Variant Classification Sherloc (09022015). Collection method: clinical testing. Allele origin: germline.
Comment: This sequence change creates a premature translational stop signal (p.Asn194Glyfs*38) in the CBS gene. It is expected to result in an absent or disrupted protein product. Loss-of-function variants in CBS are known to be pathogenic (PMID: 10338090, 12124992). This variant is not present in population databases (gnomAD no frequency). This variant has not been reported in the literature in individuals affected with CBS-related conditions. ClinVar contains an entry for this variant (Variation ID: 2680412). For these reasons, this variant has been classified as Pathogenic.

Baylor Genetics
Classification: Likely pathogenic for Classic homocystinuria. Last evaluated: 2023-02-15. Review status: criteria provided, single submitter. Criteria: ACMG Guidelines, 2015. Collection method: clinical testing. Allele origin: unknown.

Literature cited by the submitters: PubMed 10338090 (cited by Labcorp Genetics (formerly Invitae), Labcorp); PubMed 12124992 (cited by Labcorp Genetics (formerly Invitae), Labcorp).